The following is an entry in ClinVar:

ClinVar aggregate classification (germline): Conflicting classifications of pathogenicity. Review status: criteria provided, conflicting classifications (1 of 4 stars). 2 submissions from 2 submitters: Uncertain significance (1); Likely benign (1). Last evaluated 2026-01-19.

Allele frequency attached by ClinVar (database versions not stated): gnomAD exomes below 0.00001 and 0.00001; ExAC 0.00001; TOPMed 0.00002.
gnomAD v4.1: 3 of 1,613,638 alleles (0.00019%); highest among the groups gnomAD compares: African/African-American, 0.004%; no homozygotes.

Submissions (2):

Labcorp Genetics (formerly Invitae), Labcorp
Classification: Likely benign. Last evaluated: 2026-01-19. Review status: criteria provided, single submitter. Criteria: Invitae Variant Classification Sherloc (09022015). Collection method: clinical testing. Allele origin: germline.

GeneDx
Classification: Uncertain significance. Last evaluated: 2022-10-31. Review status: criteria provided, single submitter. Criteria: GeneDx Variant Classification Process June 2021. Collection method: clinical testing. Allele origin: germline. Affected: yes.
Comment: Not observed at significant frequency in large population cohorts (gnomAD); Has not been previously published as pathogenic or benign to our knowledge; In silico analysis is inconclusive as to whether the variant alters gene splicing. In the absence of RNA/functional studies, the actual effect of this sequence change is unknown.

NM_006767.4(LZTR1):c.2070-8G>T

Gene: LZTR1 (leucine zipper like post translational regulator 1; plus strand). Cytogenetic location: 22q11.21.
Variant type: single nucleotide variant.
Coding change: c.2070-8G>T on transcript NM_006767.4 (MANE Select); 8 bases into the intron before coding-DNA position 2070, G replaced by T.
Molecular consequence: intron variant.
Genome position (GRCh38, 1-based): chr22:20,995,955, G>T. VCF-style: chr22-20995955-G-T. GRCh37 (hg19) VCF-style: chr22-21350244-G-T.
Identifiers: ClinVar variation 1585805 (VCV001585805.9), dbSNP rs768003361, ClinGen allele CA10119231.